The following is an entry in ClinVar:

NM_003504.5(CDC45):c.705-5T>C

Gene: CDC45 (cell division cycle 45; plus strand). Cytogenetic location: 22q11.21.
Variant type: single nucleotide variant.
Coding change: c.705-5T>C on transcript NM_003504.5 (MANE Select); 5 bases into the intron before coding-DNA position 705, T replaced by C.
Molecular consequence: intron variant.
Genome position (GRCh38, 1-based): chr22:19,505,357, T>C. VCF-style: chr22-19505357-T-C. GRCh37 (hg19) VCF-style: chr22-19492880-T-C.
Other names: c.669-5T>C (NM_001369291.1); c.801-5T>C (NM_001178010.2); c.567-5T>C (NM_001178011.2).
Identifiers: ClinVar variation 735405 (VCV000735405.16), dbSNP rs201892503, ClinGen allele CA10101210.
Genomic context (GRCh38, chr22:19,505,357, plus strand): 5'-AGGCTTAGGCTGCCTGGTAAGAGCTGGAGGGAACCAGCCGAGGCTTGTGCTACTTTTTTT[T>C]CCAGAATGAAATACGTGACTGATGTTGGTGTCCTGCAGCGCCACGTTTCCCGCCACAACC-3'

ClinVar aggregate classification (germline): Conflicting classifications of pathogenicity. Review status: criteria provided, conflicting classifications (1 of 4 stars). 6 submissions from 6 submitters: Uncertain significance (1); Benign (2); Likely benign (2). 1 of the submissions does not count toward it. Last evaluated 2025-12-17.

Conditions:
CDC45-related disorder. Also called: CDC45-related condition.

Allele frequency attached by ClinVar (database versions not stated): gnomAD 0.00019 and 0.00027; TOPMed 0.00029; ESP Exome Variant Server 0.00038; 1000 Genomes Project 0.00040; gnomAD exomes 0.00048 and 0.00065; 1000 Genomes Project 30x 0.00062; ExAC 0.00065.
gnomAD v4.1: 758 of 1,613,996 alleles (0.047%); highest among the groups gnomAD compares: Middle Eastern, 0.68%; 6 homozygotes.

Submissions (6):

Labcorp Genetics (formerly Invitae), Labcorp
Classification: Benign. Last evaluated: 2025-12-17. Review status: criteria provided, single submitter. Criteria: Invitae Variant Classification Sherloc (09022015). Collection method: clinical testing. Allele origin: germline.

Genomic Medicine Center of Excellence, King Faisal Specialist Hospital and Research Centre
Classification: Likely benign. Last evaluated: 2025-08-18. Review status: criteria provided, single submitter. Criteria: ACMG Guidelines, 2015. Collection method: clinical testing. Allele origin: germline.

Blueprint Genetics
Classification: Likely benign. Last evaluated: 2024-11-26. Review status: criteria provided, single submitter. Criteria: ACMG Guidelines, 2015. Collection method: clinical testing. Allele origin: germline.

GeneDx
Classification: Uncertain significance. Last evaluated: 2023-09-25. Review status: criteria provided, single submitter. Criteria: GeneDx Variant Classification Process June 2021. Collection method: clinical testing. Allele origin: germline. Affected: yes.
Comment: In silico analysis suggests this variant may impact gene splicing. In the absence of RNA/functional studies, the actual effect of this sequence change is unknown.; Has not been previously published as pathogenic or benign to our knowledge

Breakthrough Genomics
Classification: Benign. Review status: criteria provided, single submitter. Criteria: ACMG Guidelines, 2015. Collection method: not provided. Allele origin: germline. Inheritance: Autosomal recessive inheritance. Affected: yes.

PreventionGenetics, part of Exact Sciences
Classification: Likely benign for CDC45-related condition. Last evaluated: 2022-06-27. Review status: no assertion criteria provided. Collection method: clinical testing. Allele origin: germline. Not counted in ClinVar's aggregate classification.
Comment: This variant is classified as likely benign based on ACMG/AMP sequence variant interpretation guidelines (Richards et al. 2015 PMID: 25741868, with internal and published modifications).